The following is an entry in ClinVar:

NM_018139.3(DNAAF2):c.428A>T (p.Asp143Val)

Gene: DNAAF2 (dynein axonemal assembly factor 2; minus strand). Cytogenetic location: 14q21.3.
Variant type: single nucleotide variant.
Coding change: c.428A>T on transcript NM_018139.3 (MANE Select); coding-DNA position 428, A replaced by T.
Protein change: p.Asp143Val; replaces aspartic acid 143 with valine.
Molecular consequence: missense variant.
Genome position (GRCh38, 1-based): chr14:49,634,722, T>A on the plus strand (A>T on the coding strand, the complement: DNAAF2 is on the minus strand). VCF-style: chr14-49634722-T-A. GRCh37 (hg19) VCF-style: chr14-50101440-T-A.
Other names: c.428A>T, p.Asp143Val (NM_001083908.2); short protein forms D143V.
Identifiers: ClinVar variation 834426 (VCV000834426.1), dbSNP rs1883290227, ClinGen allele CA389631874.

ClinVar aggregate classification (germline): Uncertain significance (1 of 4 stars; one submission).

Conditions:
Primary ciliary dyskinesia. Also called: Ciliary dyskinesia. Identifiers: Orphanet 244, MedGen C0008780, MONDO:0016575, HP:0012265.

Submission:

Labcorp Genetics (formerly Invitae), Labcorp
Classification: Uncertain significance for Primary ciliary dyskinesia. Last evaluated: 2019-01-21. Review status: criteria provided, single submitter. Criteria: Invitae Variant Classification Sherloc (09022015). Collection method: clinical testing. Allele origin: germline.
Comment: This sequence change replaces aspartic acid with valine at codon 143 of the DNAAF2 protein (p.Asp143Val). The aspartic acid residue is highly conserved and there is a large physicochemical difference between aspartic acid and valine. This variant is not present in population databases (ExAC no frequency). This variant has not been reported in the literature in individuals with DNAAF2-related conditions. Algorithms developed to predict the effect of missense changes on protein structure and function are either unavailable or do not agree on the potential impact of this missense change (SIFT: "Deleterious"; PolyPhen-2: "Probably Damaging"; Align-GVGD: "Class C0"). In summary, the available evidence is currently insufficient to determine the role of this variant in disease. Therefore, it has been classified as a Variant of Uncertain Significance.